The following is an entry in ClinVar:

ClinVar aggregate classification (germline): Benign. Review status: criteria provided, single submitter (1 of 4 stars). 4 submissions from 3 submitters: Benign (1). 3 of the submissions do not count toward it. Last evaluated 2020-03-19.

Conditions:
CENPP-related disorder. Also called: CENPP-related condition.
Osteoarthritis susceptibility 3 (OS3). Also called: OSTEOARTHRITIS OF KNEE/HIP. Identifiers: MedGen C2675609, MONDO:0011923, OMIM 607850.
Lumbar disk degeneration, susceptibility to. Also called: Lumbar disc degeneration, susceptibility to. Identifiers: MedGen C2675551, MONDO:0100206.

Submissions (4):

Dubai Health Genomic Medicine Center, Dubai Health
Classification: Benign. Last evaluated: 2020-03-19. Review status: criteria provided, single submitter. Criteria: ACMG Guidelines, 2015. Collection method: clinical testing. Allele origin: germline. Affected: yes.

PreventionGenetics, part of Exact Sciences
Classification: Benign for CENPP-related condition. Last evaluated: 2019-10-31. Review status: no assertion criteria provided. Collection method: clinical testing. Allele origin: germline. Not counted in ClinVar's aggregate classification.
Comment: This variant is classified as benign based on ACMG/AMP sequence variant interpretation guidelines (Richards et al. 2015 PMID: 25741868, with internal and published modifications).

OMIM
Classification: risk factor for OSTEOARTHRITIS SUSCEPTIBILITY 3. Last evaluated: 2008-03-01. Review status: no assertion criteria provided. Collection method: literature only. Allele origin: germline. Not counted in ClinVar's aggregate classification.

OMIM
Classification: risk factor for LUMBAR DISC DEGENERATION, SUSCEPTIBILITY TO. Last evaluated: 2008-03-01. Review status: no assertion criteria provided. Collection method: literature only. Allele origin: germline. Not counted in ClinVar's aggregate classification.

Literature cited by the submitters: PubMed 15640800 (cited by OMIM); PubMed 17024313 (cited by OMIM); PubMed 18304494 (cited by OMIM).

NM_017680.6(ASPN):c.114TGA[15] (p.Asp50_Glu51insAspAsp)

Genes: ASPN (asporin; minus strand), CENPP (centromere protein P; plus strand). Cytogenetic location: 9q22.31.
Variant type: Microsatellite.
Coding change: c.114TGA[15] on transcript NM_017680.6 (MANE Select); 15 copies in a row of the 3-base unit TGA starting at c.114; the reference has 14 copies in a row; one copy, 3 bases duplicated.
Protein change: p.Asp50_Glu51insAspAsp.
Molecular consequence: inframe insertion. On other transcripts: intron variant (2).
Genome position (GRCh38, 1-based): chr9:92,474,743-92,474,745, TCA duplicated on the plus strand (TGA on the coding strand, the reverse complement: ASPN is on the minus strand); duplicating any 3 consecutive bases within chr9:92,474,743-92,474,786 gives the same sequence; the position shown is the placement nearest the transcript's 3' end. VCF-style (leftmost placement, unchanged base first): chr9-92474742-C-CTCA. GRCh37 (hg19) VCF-style: chr9-95237024-C-CTCA.
Other names: ASPN, 14 ASP REPEAT; c.114TGA[15], p.Asp50_Glu51insAspAsp (NM_001193335.3); c.228+94884TCA[15] (NM_001286969.1); c.564+94884TCA[15] (NM_001012267.3).
Identifiers: ClinVar variation 2527 (VCV000002527.7), dbSNP rs3078372, ClinGen allele CA196298925.
Genomic context (GRCh38, chr9:92,474,742, plus strand): 5'-AAACAGATCAAATGGAAAAAAATGGCTTCTTGGCTCTCTTGTTGGAAAAAGAGAGTTGTC[C>CTCA]TCATCATCATCATCATCATCATCATCATCATCATCATCATCATCTGTGTCTTCCATATCC-3'